The following is an entry in ClinVar:

NM_001184.4(ATR):c.223A>G (p.Ile75Val)

Gene: ATR (ATR checkpoint kinase; minus strand). Cytogenetic location: 3q23.
Variant type: single nucleotide variant.
Coding change: c.223A>G on transcript NM_001184.4 (MANE Select); coding-DNA position 223, A replaced by G.
Protein change: p.Ile75Val; replaces isoleucine 75 with valine.
Molecular consequence: missense variant.
Genome position (GRCh38, 1-based): chr3:142,566,190, T>C on the plus strand (A>G on the coding strand, the complement: ATR is on the minus strand). VCF-style: chr3-142566190-T-C. GRCh37 (hg19) VCF-style: chr3-142285032-T-C.
Other names: c.223A>G, p.Ile75Val (NM_001354579.2); short protein forms I75V.
Identifiers: ClinVar variation 1788238 (VCV001788238.2), dbSNP rs2473440215, ClinGen allele CA354828514.

ClinVar aggregate classification (germline): Uncertain significance (1 of 4 stars; one submission).

Conditions:
Inborn genetic diseases. Identifiers: MedGen C0950123, MeSH D030342.

Allele frequency attached by ClinVar (database versions not stated): gnomAD exomes below 0.00001.
gnomAD v4.1: 1 of 1,614,032 alleles (0.000062%); highest among the groups gnomAD compares: Non-Finnish European, 0.000085%; no homozygotes.

Submission:

Ambry Genetics
Classification: Uncertain significance for Inborn genetic diseases. Last evaluated: 2021-09-27. Review status: criteria provided, single submitter. Criteria: Ambry Variant Classification Scheme 2023. Collection method: clinical testing. Allele origin: germline.
Comment: The p.I75V variant (also known as c.223A>G), located in coding exon 3 of the ATR gene, results from an A to G substitution at nucleotide position 223. The isoleucine at codon 75 is replaced by valine, an amino acid with highly similar properties. This amino acid position is conserved. In addition, this alteration is predicted to be tolerated by in silico analysis. Since supporting evidence is limited at this time, the clinical significance of this alteration remains unclear.